The following is an entry in ClinVar:

ClinVar aggregate classification (germline): Pathogenic (1 of 4 stars; one submission).

Conditions:
Familial cancer of breast. Also called: hereditary breast carcinoma; BREAST CANCER, FAMILIAL; Hereditary breast cancer. Identifiers: Orphanet 227535, MedGen C0346153, MONDO:0016419, OMIM 114480. Disease mechanism: loss of function.

Submission:

Myriad Genetics, Inc.
Classification: Pathogenic for Familial cancer of breast. Last evaluated: 2024-01-29. Review status: criteria provided, single submitter. Criteria: Myriad Autosomal Dominant, Autosomal Recessive and X-Linked Classification Criteria (2023). Collection method: clinical testing. Allele origin: unknown.
Comment: This variant is considered pathogenic. This variant creates a frameshift predicted to result in premature protein truncation.

NM_000051.4(ATM):c.6371_6373delinsT (p.Tyr2124fs)

Genes: ATM (ATM serine/threonine kinase; plus strand), C11orf65 (chromosome 11 open reading frame 65; minus strand). Cytogenetic location: 11q22.3.
Variant type: Indel.
Coding change: c.6371_6373delinsT on transcript NM_000051.4 (MANE Select); coding-DNA positions 6371 to 6373, ACC replaced by T.
Protein change: p.Tyr2124fs; shifts the reading frame from tyrosine 2124.
Molecular consequence: frameshift variant. On other transcripts: intron variant (2).
Genome position (GRCh38, 1-based): chr11:108,319,977-108,319,979, ACC replaced by T. VCF-style: chr11-108319977-ACC-T. GRCh37 (hg19) VCF-style: chr11-108190704-ACC-T.
Other names: c.6371_6373delinsT, p.Tyr2124fs (NM_001351834.2); c.641-10908_641-10906delinsA (NM_001330368.2); c.*39-10908_*39-10906delinsA (NM_001351110.2); short protein forms Y2124fs.
Identifiers: ClinVar variation 3148172 (VCV003148172.1), dbSNP rs2547145264, ClinGen allele CA2825001861.
Genomic context (GRCh38, chr11:108,319,977, plus strand): 5'-TTTTTAAGTATATTTTTTTCTTTGACTTATCTCACAGCAAAGAAGTAGAAGGAACCAGTT[ACC>T]ATGAATCATTGTACAATGCTCTACAATCTCTAAGAGACAGAGAATTCTCTACATTTTATG-3'